The following is an entry in ClinVar:

ClinVar aggregate classification (germline): Likely pathogenic (1 of 4 stars; one submission).

Conditions:
Niemann-Pick disease, type A. Also called: SPHINGOMYELIN LIPIDOSIS; SPHINGOMYELINASE DEFICIENCY; Infantile Neurovisceral ASMD (Niemann-Pick Disease Type A; NPD-A). Identifiers: Orphanet 77292, MedGen C0268242, MONDO:0009756, OMIM 257200. Disease mechanism: loss of function.

Submission:

Natera, Inc.
Classification: Likely pathogenic for Niemann-Pick Disease, Types A/B. Last evaluated: 2025-08-15. Review status: criteria provided, single submitter. Criteria: Natera Variant Classification Schema (03/2026). Collection method: clinical testing. Allele origin: germline.
Comment: The c.131del variant in SMPD1 is a frameshift variant predicted to shift the reading frame beginning at codon 44 and leads to a stop codon 33 codons downstream. This variant is expected to result in nonsense mediated decay, truncation, or a dysfunctional protein product. This variant is rare in the general population with a frequency below the threshold expected for the associated phenotype(s). Given the available evidence, this variant is classified as Likely Pathogenic.

NM_000543.5(SMPD1):c.131del (p.Ala44fs)

Gene: SMPD1 (sphingomyelin phosphodiesterase 1; plus strand). Cytogenetic location: 11p15.4.
Variant type: Deletion.
Coding change: c.131del on transcript NM_000543.5 (MANE Select); coding-DNA position 131, one base deleted (C; older notation c.131delC).
Protein change: p.Ala44fs; shifts the reading frame from alanine 44.
Molecular consequence: frameshift variant. On other transcripts: 5 prime UTR variant (1), non-coding transcript variant (2).
Genome position (GRCh38, 1-based): chr11:6,390,729, C deleted. VCF-style (leftmost placement, unchanged base first): chr11-6390728-GC-G. GRCh37 (hg19) VCF-style: chr11-6411958-GC-G.
Other names: c.131del, p.Ala44fs (NM_001007593.3, NM_001318087.2, NM_001365135.2); c.-831del (NM_001318088.2); short protein forms A44fs.
Identifiers: ClinVar variation 4814346 (VCV004814346.1).